The following is an entry in ClinVar:

ClinVar aggregate classification (germline): Likely pathogenic (1 of 4 stars; one submission).

Conditions:
Autosomal recessive limb-girdle muscular dystrophy type 2J (LGMDR10). Also called: Limb-girdle muscular dystrophy, type 2J; MUSCULAR DYSTROPHY, LIMB-GIRDLE, AUTOSOMAL RECESSIVE 10. Identifiers: Orphanet 140922, MedGen C1837342, MONDO:0012127, OMIM 608807.
Dilated cardiomyopathy 1G (CMD1G). Identifiers: Orphanet 154, MedGen C1858763, MONDO:0011400, OMIM 604145.

Submission:

Labcorp Genetics (formerly Invitae), Labcorp
Classification: Likely pathogenic for Dilated cardiomyopathy 1G; Autosomal recessive limb-girdle muscular dystrophy type 2J. Last evaluated: 2025-06-06. Review status: criteria provided, single submitter. Criteria: Invitae Variant Classification Sherloc (09022015). Collection method: clinical testing. Allele origin: germline.
Comment: This sequence change creates a premature translational stop signal (p.Pro26511Hisfs*3) in the TTN gene. While this is not anticipated to result in nonsense mediated decay, it is expected to create a truncated TTN protein. This variant is not present in population databases (gnomAD no frequency). This variant has not been reported in the literature in individuals affected with TTN-related conditions. This variant is located in the A band of TTN (PMID: 25589632). Truncating variants in this region are significantly overrepresented in patients affected with dilated cardiomyopathy (PMID: 25589632). Truncating variants in this region have also been reported in individuals affected with autosomal recessive centronuclear myopathy (PMID: 23975875). In summary, the currently available evidence indicates that the variant is pathogenic, but additional data are needed to prove that conclusively. Therefore, this variant has been classified as Likely Pathogenic.

Literature cited by the submitters: PubMed 25589632; PubMed 23975875.

NM_001267550.2(TTN):c.79532_79533del (p.Pro26511fs)

Genes: TTN-AS1 (TTN antisense RNA 1; plus strand), TTN (titin; minus strand). Cytogenetic location: 2q31.2.
Variant type: Deletion.
Coding change: c.79532_79533del on transcript NM_001267550.2 (MANE Select); coding-DNA positions 79532 to 79533, 2 bases deleted (CC; older notation c.79532_79533delCC).
Protein change: p.Pro26511fs; shifts the reading frame from proline 26511.
Molecular consequence: frameshift variant.
Genome position (GRCh38, 1-based): chr2:178,566,599-178,566,600, GG deleted on the plus strand (CC on the coding strand, the reverse complement: TTN is on the minus strand); deleting any 2 consecutive bases within chr2:178,566,599-178,566,601 gives the same sequence; the c. name uses the placement nearest the transcript's 3' end. VCF-style (leftmost placement, unchanged base first): chr2-178566598-TGG-T. GRCh37 (hg19) VCF-style: chr2-179431325-TGG-T.
Other names: c.74609_74610del, p.Pro24870fs (NM_001256850.1); c.52337_52338del, p.Pro17446fs (NM_003319.4); c.71828_71829del, p.Pro23943fs (NM_133378.4); c.52712_52713del, p.Pro17571fs (NM_133432.3); c.52913_52914del, p.Pro17638fs (NM_133437.4); short protein forms P17571fs, P17638fs, P23943fs, P17446fs, P24870fs, P26511fs.
Identifiers: ClinVar variation 4785196 (VCV004785196.1).